The following is an entry in ClinVar:

ClinVar aggregate classification (germline): Uncertain significance. Review status: criteria provided, multiple submitters, no conflicts (2 of 4 stars). 2 submissions from 2 submitters: Uncertain significance (2). Last evaluated 2025-10-15.

Conditions:
Inborn genetic diseases. Identifiers: MedGen C0950123, MeSH D030342.

Allele frequency attached by ClinVar (database versions not stated): gnomAD 0.00002; TOPMed 0.00002.
gnomAD v4.1: 3 of 1,613,960 alleles (0.00019%); highest among the groups gnomAD compares: African/African-American, 0.004%; no homozygotes.

Submissions (2):

Labcorp Genetics (formerly Invitae), Labcorp
Classification: Uncertain significance. Last evaluated: 2025-10-15. Review status: criteria provided, single submitter. Criteria: Invitae Variant Classification Sherloc (09022015). Collection method: clinical testing. Allele origin: germline.
Comment: This sequence change replaces lysine, which is basic and polar, with glutamine, which is neutral and polar, at codon 572 of the MECOM protein (p.Lys572Gln). This variant is not present in population databases (gnomAD no frequency). This variant has not been reported in the literature in individuals affected with MECOM-related conditions. ClinVar contains an entry for this variant (Variation ID: 2093123). An algorithm developed to predict the effect of missense changes on protein structure and function (PolyPhen-2) suggests that this variant is likely to be disruptive. In summary, the available evidence is currently insufficient to determine the role of this variant in disease. Therefore, it has been classified as a Variant of Uncertain Significance.

Ambry Genetics
Classification: Uncertain significance for Inborn genetic diseases. Last evaluated: 2025-01-05. Review status: criteria provided, single submitter. Criteria: Ambry Variant Classification Scheme 2023. Collection method: clinical testing. Allele origin: germline.
Comment: The p.K760Q variant (also known as c.2278A>C), located in coding exon 8 of the MECOM gene, results from an A to C substitution at nucleotide position 2278. The lysine at codon 760 is replaced by glutamine, an amino acid with similar properties. This amino acid position is conserved. In addition, this alteration is predicted to be tolerated by in silico analysis. Based on the available evidence, the clinical significance of this variant remains unclear.

NM_004991.4(MECOM):c.2278A>C (p.Lys760Gln)

Gene: MECOM (MDS1 and EVI1 complex locus; minus strand). Cytogenetic location: 3q26.2.
Variant type: single nucleotide variant.
Coding change: c.2278A>C on transcript NM_004991.4 (MANE Select); coding-DNA position 2278, A replaced by C.
Protein change: p.Lys760Gln; replaces lysine 760 with glutamine.
Molecular consequence: missense variant.
Genome position (GRCh38, 1-based): chr3:169,115,594, T>G on the plus strand (A>C on the coding strand, the complement: MECOM is on the minus strand). VCF-style: chr3-169115594-T-G. GRCh37 (hg19) VCF-style: chr3-168833382-T-G.
Other names: c.2278A>C (NM_004991.3); c.1909A>C, p.Lys637Gln (NM_001105077.4); c.1714A>C, p.Lys572Gln (NM_001105078.4, NM_001164000.2, NM_001205194.2 and 4 more transcripts); c.1717A>C, p.Lys573Gln (NM_001163999.2, NM_001366467.2, NM_001366468.2 and 1 more transcripts); c.2278A>C, p.Lys760Gln (NM_001366466.2); c.1306A>C, p.Lys436Gln (NM_001366473.2); c.742A>C, p.Lys248Gln (NM_001366474.2); short protein forms K248Q, K572Q, K573Q, K436Q, K637Q, K760Q.
Identifiers: ClinVar variation 2093123 (VCV002093123.5), dbSNP rs1277234526, ClinGen allele CA355085160.